The following is an entry in ClinVar:

ClinVar aggregate classification (germline): Uncertain significance (1 of 4 stars; one submission).

Conditions:
RASopathy. Also called: rasopathies; Noonan spectrum disorder. Identifiers: Orphanet 536391, MedGen C5555857, MONDO:0021060.

Submission:

Labcorp Genetics (formerly Invitae), Labcorp
Classification: Uncertain significance for RASopathy. Last evaluated: 2025-05-01. Review status: criteria provided, single submitter. Criteria: Invitae Variant Classification Sherloc (09022015). Collection method: clinical testing. Allele origin: germline.
Comment: This sequence change replaces histidine, which is basic and polar, with glutamine, which is neutral and polar, at codon 389 of the MAP2K1 protein (p.His389Gln). This variant is not present in population databases (gnomAD no frequency). This variant has not been reported in the literature in individuals affected with MAP2K1-related conditions. Invitae Evidence Modeling of protein sequence and biophysical properties (such as structural, functional, and spatial information, amino acid conservation, physicochemical variation, residue mobility, and thermodynamic stability) has been performed for this missense variant. However, the output from this modeling did not meet the statistical confidence thresholds required to predict the impact of this variant on MAP2K1 protein function. In summary, the available evidence is currently insufficient to determine the role of this variant in disease. Therefore, it has been classified as a Variant of Uncertain Significance.

NM_002755.4(MAP2K1):c.1167T>G (p.His389Gln)

Genes: MAP2K1 (mitogen-activated protein kinase kinase 1; plus strand), SNAPC5 (small nuclear RNA activating complex polypeptide 5; minus strand). Cytogenetic location: 15q22.31.
Variant type: single nucleotide variant.
Coding change: c.1167T>G on transcript NM_002755.4 (MANE Select); coding-DNA position 1167, T replaced by G.
Protein change: p.His389Gln; replaces histidine 389 with glutamine.
Molecular consequence: missense variant. On other transcripts: 3 prime UTR variant (1), non-coding transcript variant (1).
Genome position (GRCh38, 1-based): chr15:66,490,600, T>G. VCF-style: chr15-66490600-T-G. GRCh37 (hg19) VCF-style: chr15-66782938-T-G.
Other names: c.*139A>C (NM_006049.4); c.1023T>G, p.His341Gln (NM_001411065.1); short protein forms H341Q, H389Q.
Identifiers: ClinVar variation 4703528 (VCV004703528.1).
Genomic context (GRCh38, chr15:66,490,600, plus strand): 5'-GGATTTTGCAGGTTGGCTCTGCTCCACCATCGGCCTTAACCAGCCCAGCACACCAACCCA[T>G]GCTGCTGGCGTCTAAGTGTTTGGGAAGCAACAAAGAGCGAGTCCCCTGCCCGGTGGTTTG-3'
Protein context (NP_002746.1, residues 379-393): IGLNQPSTPT[His389Gln]AAGV